The following is an entry in ClinVar:

NM_032444.4(SLX4):c.1672C>T (p.Arg558Trp)

Gene: SLX4 (SLX4 structure-specific endonuclease subunit; minus strand). Cytogenetic location: 16p13.3.
Variant type: single nucleotide variant.
Coding change: c.1672C>T on transcript NM_032444.4 (MANE Select); coding-DNA position 1672, C replaced by T.
Protein change: p.Arg558Trp; replaces arginine 558 with tryptophan.
Molecular consequence: missense variant.
Genome position (GRCh38, 1-based): chr16:3,597,390, G>A on the plus strand (C>T on the coding strand, the complement: SLX4 is on the minus strand). VCF-style: chr16-3597390-G-A. GRCh37 (hg19) VCF-style: chr16-3647391-G-A.
Other names: short protein forms R558W.
Identifiers: ClinVar variation 1005436 (VCV001005436.18), dbSNP rs372264472, ClinGen allele CA7866454.

ClinVar aggregate classification (germline): Uncertain significance. Review status: criteria provided, multiple submitters, no conflicts (2 of 4 stars). 8 submissions from 8 submitters: Uncertain significance (8). Last evaluated 2025-01-19.

Conditions:
Fanconi anemia (FA). Also called: Fanconi's anemia. Identifiers: Orphanet 84, MedGen C0015625, MeSH D005199, MONDO:0019391.
Inborn genetic diseases. Identifiers: MedGen C0950123, MeSH D030342.
Fanconi anemia complementation group P. Also called: SLX4-Related Fanconi Anemia. Identifiers: Orphanet 84, MedGen C3469542, MONDO:0013499, OMIM 613951.

Allele frequency attached by ClinVar (database versions not stated): 1000 Genomes Project below 0.00001; TOPMed 0.00007; ESP Exome Variant Server 0.00008.
gnomAD v4.1: 90 of 1,577,400 alleles (0.0057%); highest among the groups gnomAD compares: South Asian, 0.01%; no homozygotes.

Submissions (8):

Labcorp Genetics (formerly Invitae), Labcorp
Classification: Uncertain significance for Fanconi anemia. Last evaluated: 2025-01-19. Review status: criteria provided, single submitter. Criteria: Invitae Variant Classification Sherloc (09022015). Collection method: clinical testing. Allele origin: germline.
Comment: This sequence change replaces arginine, which is basic and polar, with tryptophan, which is neutral and slightly polar, at codon 558 of the SLX4 protein (p.Arg558Trp). This variant is present in population databases (rs372264472, gnomAD 0.02%). This variant has not been reported in the literature in individuals affected with SLX4-related conditions. ClinVar contains an entry for this variant (Variation ID: 1005436). An algorithm developed to predict the effect of missense changes on protein structure and function outputs the following: PolyPhen-2: "Benign". The tryptophan amino acid residue is found in multiple mammalian species, which suggests that this missense change does not adversely affect protein function. In summary, the available evidence is currently insufficient to determine the role of this variant in disease. Therefore, it has been classified as a Variant of Uncertain Significance.

Ambry Genetics
Classification: Uncertain significance for Inborn genetic diseases. Last evaluated: 2024-11-09. Review status: criteria provided, single submitter. Criteria: Ambry Variant Classification Scheme 2023. Collection method: clinical testing. Allele origin: germline.

GeneDx
Classification: Uncertain significance. Last evaluated: 2024-09-24. Review status: criteria provided, single submitter. Criteria: GeneDx Variant Classification Process June 2021. Collection method: clinical testing. Allele origin: germline. Affected: yes.
Comment: In silico analysis supports that this missense variant has a deleterious effect on protein structure/function; Has not been previously published as pathogenic or benign to our knowledge

Fulgent Genetics
Classification: Uncertain significance for Fanconi anemia complementation group P. Last evaluated: 2024-06-12. Review status: criteria provided, single submitter. Criteria: ACMG Guidelines, 2015. Collection method: clinical testing. Allele origin: germline.

Sema4
Classification: Uncertain significance for Fanconi anemia. Last evaluated: 2022-02-08. Review status: criteria provided, single submitter. Criteria: Sema4 Curation Guidelines. Collection method: curation. Allele origin: germline.
Comment: To the best of our knowledge, the SLX4 c.1672C>T (p.R558W) variant has not been reported in individuals with SLX4-related disease. It was observed in 3/25468 chromosomes of the South Asian subpopulation, in the large and broad cohorts of the Genome Aggregation Database (PMID: 32461654). This variant has been reported in ClinVar (Variation ID 1005436). In silico tools suggest the impact of the variant on protein function is benign, though these predictions have not been confirmed by functional studies. The evidence is insufficient to meet ACMG/AMP criteria for classifying the variant as benign or pathogenic. Thus, the clinical significance of this variant is currently uncertain.

Institute for Clinical Genetics, University Hospital TU Dresden, University Hospital TU Dresden
Classification: Uncertain significance. Last evaluated: 2021-11-03. Review status: criteria provided, single submitter. Criteria: ACMG Guidelines, 2015. Collection method: clinical testing. Allele origin: germline.

Baylor Genetics
Classification: Uncertain significance for Fanconi anemia complementation group P. Last evaluated: 2021-10-26. Review status: criteria provided, single submitter. Criteria: ACMG Guidelines, 2015. Collection method: clinical testing. Allele origin: unknown. Affected: yes. Study: CSER-TexasKidsCanSeq.
Comment: This variant was determined to be of uncertain significance according to ACMG Guidelines, 2015 [PMID:25741868].

Genetic Services Laboratory, University of Chicago
Classification: Uncertain significance. Last evaluated: 2018-04-17. Review status: criteria provided, single submitter. Criteria: ACMG Guidelines, 2015. Collection method: clinical testing. Allele origin: germline. Affected: no.